The following is an entry in ClinVar:

NM_000397.4(CYBB):c.484-60TG[17]

Gene: CYBB (cytochrome b-245 beta chain; plus strand). Cytogenetic location: Xp21.1.
Variant type: Microsatellite.
Coding change: c.484-60TG[17] on transcript NM_000397.4 (MANE Select); 17 copies in a row of the 2-base unit TG starting at c.484-60.
Molecular consequence: intron variant.
Genome position: GRCh38 VCF-style: chrX-37795890-ATGTGTGTGTGTG-A. GRCh37 (hg19) VCF-style: chrX-37655143-ATGTGTGTGTGTG-A.
Other names: c.484-25_484-14del12 (NM_000397.4).
Identifiers: ClinVar variation 4689112 (VCV004689112.1).

ClinVar aggregate classification (germline): Likely benign (1 of 4 stars; one submission).

Submission:

Women's Health and Genetics/Laboratory Corporation of America, LabCorp
Classification: Likely benign. Last evaluated: 2026-01-28. Review status: criteria provided, single submitter. Criteria: LabCorp Variant Classification Summary - May 2015. Collection method: clinical testing. Allele origin: germline.
Comment: Variant summary: CYBB c.484-25_484-14del12 alters a nucleotide located at a position not widely known to affect splicing. Consensus agreement among computation tools predict no significant impact on normal splicing. However, these predictions have yet to be confirmed by functional studies. The variant was absent in 183332 control chromosomes. The available data on variant occurrences in the general population are insufficient to allow any conclusion about variant significance. To our knowledge, no occurrence of c.484-25_484-14del12 in individuals affected with CYBB-related conditions and no experimental evidence demonstrating its impact on protein function have been reported. No submitters have cited clinical-significance assessments for this variant to ClinVar. Based on the evidence outlined above, the variant was classified as likely benign.